The following is an entry in ClinVar:

NM_015506.3(MMACHC):c.81+1G>A

Gene: MMACHC (metabolism of cobalamin associated C; plus strand). Cytogenetic location: 1p34.1.
Variant type: single nucleotide variant.
Coding change: c.81+1G>A on transcript NM_015506.3 (MANE Select); the canonical splice donor site of the intron after coding-DNA position 81, G replaced by A.
Molecular consequence: splice donor variant.
Genome position (GRCh38, 1-based): chr1:45,500,414, G>A. VCF-style: chr1-45500414-G-A. GRCh37 (hg19) VCF-style: chr1-45966086-G-A.
Other names: c.-142+1G>A (NM_001330540.2).
Identifiers: ClinVar variation 859433 (VCV000859433.20), dbSNP rs745366624, ClinGen allele CA827621.
Genomic context (GRCh38, chr1:45,500,414, plus strand): 5'-CTGAAGCAGAAGATCGAGGACACGCTATGTCCTTTTGGCTTCGAGGTTTACCCCTTCCAG[G>A]TTAGTTTATCCCTCCTGCTGTTCTAGGGCGAAATATATGATTGGCTTCGTTGCAACTGGC-3'

ClinVar aggregate classification (germline): Pathogenic. Review status: criteria provided, multiple submitters, no conflicts (2 of 4 stars). 6 submissions from 6 submitters: Pathogenic (6). Last evaluated 2026-02-04.

Conditions:
MMACHC-related disorder. Also called: MMACHC-related condition.
Cobalamin C disease. Also called: Cobalamin-C methylmalonic acidemia and homocystinuria; Methylmalonic acidemia and homocystinuria cblC type; methylmalonic aciduria and homocystinuria type cblC; Methylmalonic aciduria and homocystinuria, Vitamin B12-responsive; Vitamin B12 metabolic defect with combined deficiency of methylmalonyl-CoA mutase and homocysteine:methyltetrahydrofolate methyltransferase; Methylmalonic aciduria with homocystinuria cblC type. Identifiers: Orphanet 26, Orphanet 79282, MedGen C1848561, MONDO:0010184, OMIM 277400.

Allele frequency attached by ClinVar (database versions not stated): TOPMed 0.00001.

Submissions (6):

GeneDx
Classification: Pathogenic. Last evaluated: 2026-02-04. Review status: criteria provided, single submitter. Criteria: GeneDx Variant Classification Process June 2021. Collection method: clinical testing. Allele origin: germline.
Comment: Functional studies suggest a damaging effect with retention of intron 1 rather than skipping of exon 1 (PMID: 41275642); This variant is associated with the following publications: (PMID: 16311595, 26979128, 17853453, 30157807, 26563984, 19914430, 32198913, 28693988, 31279840, 41275642, 37770946, 36184083, 33980297, 35361390, 33691766, 38778310, Wei2021[Case Report], 38070096, 34389282)

Labcorp Genetics (formerly Invitae), Labcorp
Classification: Pathogenic for Cobalamin C disease. Last evaluated: 2026-01-06. Review status: criteria provided, single submitter. Criteria: Invitae Variant Classification Sherloc (09022015). Collection method: clinical testing. Allele origin: germline.
Comment: This sequence change affects a donor splice site in intron 1 of the MMACHC gene. It is expected to disrupt RNA splicing. Variants that disrupt the donor or acceptor splice site typically lead to a loss of protein function (PMID: 16199547), and loss-of-function variants in MMACHC are known to be pathogenic (PMID: 16311595). This variant is present in population databases (rs745366624, gnomAD 0.03%). Disruption of this splice site has been observed in individual(s) with methylmalonic aciduria and homocystinuria (PMID: 16311595, 26979128; internal data). ClinVar contains an entry for this variant (Variation ID: 859433). Algorithms developed to predict the effect of sequence changes on RNA splicing suggest that this variant may disrupt the consensus splice site. For these reasons, this variant has been classified as Pathogenic.

Natera, Inc.
Classification: Pathogenic for Methylmalonic aciduria and homocystinuria cblC type. Last evaluated: 2025-12-30. Review status: criteria provided, single submitter. Criteria: Natera Variant Classification Schema (03/2026). Collection method: clinical testing. Allele origin: germline.
Comment: The c.81+1G>A variant in MMACHC is a canonical splice donor site variant predicted to affect pre-mRNA splicing, which may result in an abnormal transcript and altered protein product. This variant is expected to result in nonsense mediated decay, truncation, or a dysfunctional protein product. The frequency of this variant in the general population is greater than expected for disorder. This variant has been observed in one or more individuals affected with the associated recessive disease, as either homozygous or compound heterozygous with a second variant (PMID: 30157807). Given the available evidence, this variant is classified as Pathogenic.

PreventionGenetics, part of Exact Sciences
Classification: Pathogenic for MMACHC-related condition. Last evaluated: 2024-11-04. Review status: criteria provided, single submitter. Criteria: ACMG Guidelines, 2015. Collection method: clinical testing. Allele origin: germline.
Comment: The MMACHC c.81+1G>A variant is predicted to disrupt the GT donor site and interfere with normal splicing. This variant, also referred to as IVS1+1G>A, has been reported in patients with methylmalonic aciduria, cblC type (Lerner-Ellis et al. 2006. PubMed ID: 16311595; Han et al. 2015. PubMed ID: 26563984; Ku et al. 2016. PubMed ID: 26979128; Hu et al. 2018. PubMed ID: 30157807). This variant is reported in 0.032% of alleles in individuals of Latino descent in gnomAD. Variants that disrupt the consensus splice donor site in MMACHC are expected to be pathogenic. This variant is interpreted as pathogenic.

Fulgent Genetics
Classification: Pathogenic for Cobalamin C disease. Last evaluated: 2024-05-13. Review status: criteria provided, single submitter. Criteria: ACMG Guidelines, 2015. Collection method: clinical testing. Allele origin: germline.

Blueprint Genetics
Classification: Pathogenic for MMACHC-related disorders. Last evaluated: 2022-05-09. Review status: criteria provided, single submitter. Criteria: ACMG Guidelines, 2015. Collection method: clinical testing. Allele origin: germline. Affected: yes. Observed: 1 variant allele.

Literature cited by the submitters: PubMed 16199547 (cited by Labcorp Genetics (formerly Invitae), Labcorp); PubMed 16311595 (cited by Labcorp Genetics (formerly Invitae), Labcorp); PubMed 26979128 (cited by Labcorp Genetics (formerly Invitae), Labcorp); PubMed 30157807 (cited by Natera, Inc.).